The following is an entry in ClinVar:

ClinVar aggregate classification (germline): Likely benign. Review status: criteria provided, multiple submitters, no conflicts (2 of 4 stars). 4 submissions from 4 submitters: Likely benign (3). 1 of the submissions does not count toward it. Last evaluated 2025-11-05.

Conditions:
PIGG-related disorder. Also called: PIGG-related condition.
Intellectual disability, autosomal recessive 53 (NEDHSCA). Also called: NEURODEVELOPMENTAL DISORDER WITH OR WITHOUT HYPOTONIA, SEIZURES, AND CEREBELLAR ATROPHY; GLYCOSYLPHOSPHATIDYLINOSITOL BIOSYNTHESIS DEFECT 13; Mental retardation, autosomal recessive 53. Identifiers: Orphanet 488635, MedGen C4310794, MONDO:0014832, OMIM 616917.

Allele frequency attached by ClinVar (database versions not stated): ExAC 0.00003; gnomAD 0.00006 and 0.00010; gnomAD exomes 0.00006 and 0.00008; TOPMed 0.00007; 1000 Genomes Project 0.00040; 1000 Genomes Project 30x 0.00047.
gnomAD v4.1: 136 of 1,614,090 alleles (0.0084%); highest among the groups gnomAD compares: South Asian, 0.022%; no homozygotes.

Submissions (4):

Labcorp Genetics (formerly Invitae), Labcorp
Classification: Likely benign for Intellectual disability, autosomal recessive 53. Last evaluated: 2025-11-05. Review status: criteria provided, single submitter. Criteria: Invitae Variant Classification Sherloc (09022015). Collection method: clinical testing. Allele origin: germline.

Blueprint Genetics
Classification: Likely benign. Last evaluated: 2024-08-08. Review status: criteria provided, single submitter. Criteria: ACMG Guidelines, 2015. Collection method: clinical testing. Allele origin: germline.

Women's Health and Genetics/Laboratory Corporation of America, LabCorp
Classification: Likely benign. Last evaluated: 2024-07-29. Review status: criteria provided, single submitter. Criteria: LabCorp Variant Classification Summary - May 2015. Collection method: clinical testing. Allele origin: germline.

PreventionGenetics, part of Exact Sciences
Classification: Likely benign for PIGG-related condition. Last evaluated: 2019-08-12. Review status: no assertion criteria provided. Collection method: clinical testing. Allele origin: germline. Not counted in ClinVar's aggregate classification.
Comment: This variant is classified as likely benign based on ACMG/AMP sequence variant interpretation guidelines (Richards et al. 2015 PMID: 25741868, with internal and published modifications).

NM_001127178.3(PIGG):c.1911C>T (p.His637=)

Gene: PIGG (phosphatidylinositol glycan anchor biosynthesis class G (EMM blood group); plus strand). Cytogenetic location: 4p16.3.
Variant type: single nucleotide variant.
Coding change: c.1911C>T on transcript NM_001127178.3 (MANE Select); coding-DNA position 1911, C replaced by T.
Protein change: p.His637=; no amino-acid change (histidine 637 retained).
Molecular consequence: synonymous variant. On other transcripts: non-coding transcript variant (6).
Genome position (GRCh38, 1-based): chr4:523,755, C>T. VCF-style: chr4-523755-C-T. GRCh37 (hg19) VCF-style: chr4-517544-C-T.
Other names: c.1644C>T, p.His548= (NM_001289051.2, NM_001345986.2); c.1512C>T, p.His504= (NM_001289052.2); c.1620C>T, p.His540= (NM_001345987.2); c.882C>T, p.His294= (NM_001345988.2); c.378C>T, p.His126= (NM_001345990.2, NM_001345991.2); c.813C>T, p.His271= (NM_001345994.2); c.1887C>T, p.His629= (NM_017733.5); c.1911C>T (NM_001127178.2).
Identifiers: ClinVar variation 1140302 (VCV001140302.13), dbSNP rs139613601, ClinGen allele CA2793482.